The following is an entry in ClinVar:

NM_014014.5(SNRNP200):c.4332C>T (p.Asn1444=)

Gene: SNRNP200 (small nuclear ribonucleoprotein U5 subunit 200; minus strand). Cytogenetic location: 2q11.2.
Variant type: single nucleotide variant.
Coding change: c.4332C>T on transcript NM_014014.5 (MANE Select); coding-DNA position 4332, C replaced by T.
Protein change: p.Asn1444=; no amino-acid change (asparagine 1444 retained).
Molecular consequence: synonymous variant.
Genome position (GRCh38, 1-based): chr2:96,284,418, G>A on the plus strand (C>T on the coding strand, the complement: SNRNP200 is on the minus strand). VCF-style: chr2-96284418-G-A. GRCh37 (hg19) VCF-style: chr2-96950156-G-A.
Other names: c.4332C>T (NM_014014.4).
Identifiers: ClinVar variation 1095122 (VCV001095122.11), dbSNP rs763990492, ClinGen allele CA1778241.

ClinVar aggregate classification (germline): Likely benign. Review status: criteria provided, multiple submitters, no conflicts (2 of 4 stars). 3 submissions from 3 submitters: Likely benign (3). Last evaluated 2026-05-01.

Conditions:
SNRNP200-related disorder. Also called: SNRNP200-related condition.

Allele frequency attached by ClinVar (database versions not stated): gnomAD 0.00002 and 0.00003; gnomAD exomes 0.00003 and 0.00008; TOPMed 0.00005; ExAC 0.00010.
gnomAD v4.1: 48 of 1,614,028 alleles (0.003%); highest among the groups gnomAD compares: Admixed American, 0.035%; no homozygotes.

Submissions (3):

PreventionGenetics, part of Exact Sciences
Classification: Likely benign for SNRNP200-related condition. Last evaluated: 2026-05-01. Review status: criteria provided, single submitter. Criteria: ACMG Guidelines, 2015. Collection method: clinical testing. Allele origin: germline.
Comment: This variant is classified as likely benign based on ACMG/AMP sequence variant interpretation guidelines (Richards et al. 2015 PMID: 25741868, with internal and published modifications).

Labcorp Genetics (formerly Invitae), Labcorp
Classification: Likely benign. Last evaluated: 2024-10-29. Review status: criteria provided, single submitter. Criteria: Invitae Variant Classification Sherloc (09022015). Collection method: clinical testing. Allele origin: germline.

Blueprint Genetics
Classification: Likely benign. Last evaluated: 2022-05-10. Review status: criteria provided, single submitter. Criteria: ACMG Guidelines, 2015. Collection method: clinical testing. Allele origin: germline.